The following is an entry in ClinVar:

NM_005260.7(GDF9):c.307C>T (p.Pro103Ser)

Gene: GDF9 (growth differentiation factor 9; minus strand). Cytogenetic location: 5q31.1.
Variant type: single nucleotide variant.
Coding change: c.307C>T on transcript NM_005260.7 (MANE Select); coding-DNA position 307, C replaced by T.
Protein change: p.Pro103Ser; replaces proline 103 with serine.
Molecular consequence: missense variant.
Genome position (GRCh38, 1-based): chr5:132,864,227, G>A on the plus strand (C>T on the coding strand, the complement: GDF9 is on the minus strand). VCF-style: chr5-132864227-G-A. GRCh37 (hg19) VCF-style: chr5-132199919-G-A.
Other names: c.43C>T, p.Pro15Ser (NM_001288824.4, NM_001288825.4, NM_001288826.3 and 2 more transcripts); short protein forms P103S, P15S.
Identifiers: ClinVar variation 3898840 (VCV003898840.1).

ClinVar aggregate classification (germline): Uncertain significance (1 of 4 stars; one submission).

Submission:

GeneDx
Classification: Uncertain significance. Last evaluated: 2022-05-04. Review status: criteria provided, single submitter. Criteria: GeneDx Variant Classification Process June 2021. Collection method: clinical testing. Allele origin: germline. Affected: yes.
Comment: Reported in a patient with primary ovarian failure in published literature (Kovanci et al., 2007); clinical information is limited; In silico analysis supports that this missense variant has a deleterious effect on protein structure/function; Variants in candidate genes are classified as variants of uncertain significance in accordance with ACMG guidelines (Richards et al., 2015); This variant is associated with the following publications: (PMID: 17156781, 24438375, 16954162, 20547206)